The following is an entry in ClinVar:

NM_000321.3(RB1):c.137+3G>A

Gene: RB1 (RB transcriptional corepressor 1; plus strand). Cytogenetic location: 13q14.2.
Variant type: single nucleotide variant.
Coding change: c.137+3G>A on transcript NM_000321.3 (MANE Select); 3 bases into the intron after coding-DNA position 137, G replaced by A.
Molecular consequence: intron variant.
Genome position (GRCh38, 1-based): chr13:48,304,052, G>A. VCF-style: chr13-48304052-G-A. GRCh37 (hg19) VCF-style: chr13-48878188-G-A.
Other names: c.137+3G>A (NM_001407165.1, NM_001407166.1, NM_001407167.1).
Identifiers: ClinVar variation 2972431 (VCV002972431.4), dbSNP rs2138028109, ClinGen allele CA2575413229.

ClinVar aggregate classification (germline): Uncertain significance. Review status: criteria provided, multiple submitters, no conflicts (2 of 4 stars). 2 submissions from 2 submitters: Uncertain significance (2). Last evaluated 2025-09-05.

Conditions:
Retinoblastoma (RB1). Also called: RETINOBLASTOMA, SOMATIC. Identifiers: Orphanet 790, MedGen C0035335, MeSH D012175, MONDO:0008380, OMIM 180200, HP:0009919. Disease mechanism: loss of function. Inheritance: Both sporadic and heritable forms are tested..

Submissions (2):

Color Diagnostics, LLC DBA Color Health
Classification: Uncertain significance for Retinoblastoma. Last evaluated: 2025-09-05. Review status: criteria provided, single submitter. Criteria: ACMG Guidelines, 2015. Collection method: clinical testing. Allele origin: germline.
Comment: This variant causes a G to A nucleotide substitution at the +3 position of intron 1 of the RB1 gene. To our knowledge, functional studies have not been reported for this variant. This variant has not been reported in individuals affected with RB1-related disorders in the literature. This variant has not been identified in the general population by the Genome Aggregation Database (gnomAD). The available evidence is insufficient to determine the role of this variant in disease conclusively. Therefore, this variant is classified as a Variant of Uncertain Significance.

Labcorp Genetics (formerly Invitae), Labcorp
Classification: Uncertain significance for Retinoblastoma. Last evaluated: 2022-11-30. Review status: criteria provided, single submitter. Criteria: Invitae Variant Classification Sherloc (09022015). Collection method: clinical testing. Allele origin: germline.
Comment: In summary, the available evidence is currently insufficient to determine the role of this variant in disease. Therefore, it has been classified as a Variant of Uncertain Significance. Variants that disrupt the consensus splice site are a relatively common cause of aberrant splicing (PMID: 17576681, 9536098). RNA analysis provides insufficient evidence to determine the effect of this variant on RB1 splicing (Invitae) This variant has not been reported in the literature in individuals affected with RB1-related conditions. This variant is not present in population databases (gnomAD no frequency). This sequence change falls in intron 1 of the RB1 gene. It does not directly change the encoded amino acid sequence of the RB1 protein. It affects a nucleotide within the consensus splice site.

Literature cited by the submitters: PubMed 17576681 (cited by Labcorp Genetics (formerly Invitae), Labcorp); PubMed 9536098 (cited by Labcorp Genetics (formerly Invitae), Labcorp).